The following is an entry in ClinVar:

NM_012473.4(TXN2):c.157T>C (p.Tyr53His)

Gene: TXN2 (thioredoxin 2; minus strand). Cytogenetic location: 22q12.3.
Variant type: single nucleotide variant.
Coding change: c.157T>C on transcript NM_012473.4 (MANE Select); coding-DNA position 157, T replaced by C.
Protein change: p.Tyr53His; replaces tyrosine 53 with histidine.
Molecular consequence: missense variant.
Genome position (GRCh38, 1-based): chr22:36,480,681, A>G on the plus strand (T>C on the coding strand, the complement: TXN2 is on the minus strand). VCF-style: chr22-36480681-A-G. GRCh37 (hg19) VCF-style: chr22-36876728-A-G.
Other names: short protein forms Y53H.
Identifiers: ClinVar variation 1957914 (VCV001957914.5), dbSNP rs781720947, ClinGen allele CA10210886.

ClinVar aggregate classification (germline): Uncertain significance (1 of 4 stars; one submission).

Allele frequency attached by ClinVar (database versions not stated): gnomAD 0.00001; gnomAD exomes 0.00001; TOPMed 0.00002; ExAC 0.00003.
gnomAD v4.1: 7 of 1,614,014 alleles (0.00043%); highest among the groups gnomAD compares: Admixed American, 0.01%; no homozygotes.

Submission:

Labcorp Genetics (formerly Invitae), Labcorp
Classification: Uncertain significance. Last evaluated: 2022-08-06. Review status: criteria provided, single submitter. Criteria: Invitae Variant Classification Sherloc (09022015). Collection method: clinical testing. Allele origin: germline.
Comment: In summary, the available evidence is currently insufficient to determine the role of this variant in disease. Therefore, it has been classified as a Variant of Uncertain Significance. Algorithms developed to predict the effect of missense changes on protein structure and function output the following: SIFT: "Tolerated"; PolyPhen-2: "Benign"; Align-GVGD: "Class C0". The histidine amino acid residue is found in multiple mammalian species, which suggests that this missense change does not adversely affect protein function. This variant has not been reported in the literature in individuals affected with TXN2-related conditions. This variant is present in population databases (rs781720947, gnomAD 0.02%). This sequence change replaces tyrosine, which is neutral and polar, with histidine, which is basic and polar, at codon 53 of the TXN2 protein (p.Tyr53His).